The following is an entry in ClinVar:

NM_000535.7(PMS2):c.2528G>A (p.Cys843Tyr)

Gene: PMS2 (PMS1 homolog 2, mismatch repair system component; minus strand). Cytogenetic location: 7p22.1.
Variant type: single nucleotide variant.
Coding change: c.2528G>A on transcript NM_000535.7 (MANE Select); coding-DNA position 2528, G replaced by A.
Protein change: p.Cys843Tyr; replaces cysteine 843 with tyrosine.
Molecular consequence: missense variant. On other transcripts: non-coding transcript variant (1).
Genome position (GRCh38, 1-based): chr7:5,973,460, C>T on the plus strand (G>A on the coding strand, the complement: PMS2 is on the minus strand). VCF-style: chr7-5973460-C-T. GRCh37 (hg19) VCF-style: chr7-6013091-C-T.
Other names: c.2123G>A, p.Cys708Tyr (NM_001322003.2, NM_001322004.2, NM_001322005.2); c.2372G>A, p.Cys791Tyr (NM_001322006.2); c.2210G>A, p.Cys737Tyr (NM_001322007.2, NM_001322008.2); c.2156G>A, p.Cys719Tyr (NM_001322009.2); c.1967G>A, p.Cys656Tyr (NM_001322010.2); c.1595G>A, p.Cys532Tyr (NM_001322011.2, NM_001322012.2); c.1955G>A, p.Cys652Tyr (NM_001322013.2); c.2561G>A, p.Cys854Tyr (NM_001322014.2); and 1 more; short protein forms C843Y, C532Y, C708Y, C740Y, C854Y, C656Y, C737Y, C791Y.
Identifiers: ClinVar variation 2136494 (VCV002136494.7), dbSNP rs267608174, ClinGen allele CA011656.

ClinVar aggregate classification (germline): Conflicting classifications of pathogenicity. Review status: criteria provided, conflicting classifications (1 of 4 stars). 3 submissions from 3 submitters: Likely pathogenic (2); Uncertain significance (1). Last evaluated 2025-02-19.

Conditions:
Hereditary nonpolyposis colorectal neoplasms. Identifiers: MedGen C0009405, MeSH D003123.
Hereditary cancer-predisposing syndrome. Also called: Hereditary neoplastic syndrome; Hereditary Cancer Syndrome; Tumor predisposition; Neoplastic Syndromes, Hereditary. Identifiers: Orphanet 140162, MedGen C0027672, MeSH D009386, MONDO:0015356.

Submissions (3):

Ambry Genetics
Classification: Likely pathogenic for Hereditary cancer-predisposing syndrome. Last evaluated: 2025-02-19. Review status: criteria provided, single submitter. Criteria: Ambry Variant Classification Scheme 2023. Collection method: clinical testing. Allele origin: germline.
Comment: The p.C843Y variant (also known as c.2528G>A), located in coding exon 15 of the PMS2 gene, results from a G to A substitution at nucleotide position 2528. The cysteine at codon 843 is replaced by tyrosine, an amino acid with highly dissimilar properties. This variant has been identified in a proband whose colon tumor demonstrated high microsatellite instability and loss of PMS2 expression by IHC (Wang Q et al. J Med Genet, 2020 Jul;57:487-499) and in another cohort of patients with Lynch syndrome-associated tumors showing isolated loss of PMS2 (Senter L et al. Gastroenterology, 2008 Aug;135:419-28). This variant demonstrated repair efficiency not statistically different from a known pathogenic control in vitro (Drost M et al. Hum Mutat, 2013 Nov;34:1477-80). Based on internal structural analysis, C843Y disrupts a zinc-binding motif in the nuclease domain of PMS2 (Kosinski J et al. J Mol Biol, 2008 Oct;382:610-27; Gueneau E et al. Nat Struct Mol Biol, 2013 Apr;20:461-8). This amino acid position is highly conserved in available vertebrate species. In addition, this alteration is predicted to be deleterious by in silico analysis. Based on the majority of available evidence to date, this variant is likely to be pathogenic.

GeneDx
Classification: Likely pathogenic. Last evaluated: 2024-06-18. Review status: criteria provided, single submitter. Criteria: GeneDx Variant Classification Process June 2021. Collection method: clinical testing. Allele origin: germline. Affected: yes.
Comment: Published functional studies suggest a damaging effect: deficient mismatch repair activity (PMID: 24027009); Not observed at significant frequency in large population cohorts (gnomAD); In silico analysis supports that this missense variant has a deleterious effect on protein structure/function; This variant is associated with the following publications: (PMID: 24027009, 18602922, Fukui2011[Chapter], 18619468, 22290698, 31992580)

Labcorp Genetics (formerly Invitae), Labcorp
Classification: Uncertain significance for Hereditary nonpolyposis colorectal neoplasms. Last evaluated: 2022-08-08. Review status: criteria provided, single submitter. Criteria: Invitae Variant Classification Sherloc (09022015). Collection method: clinical testing. Allele origin: germline.
Comment: Advanced modeling of protein sequence and biophysical properties (such as structural, functional, and spatial information, amino acid conservation, physicochemical variation, residue mobility, and thermodynamic stability) performed at Invitae indicates that this missense variant is expected to disrupt PMS2 protein function. This sequence change replaces cysteine, which is neutral and slightly polar, with tyrosine, which is neutral and polar, at codon 843 of the PMS2 protein (p.Cys843Tyr). The frequency data for this variant in the population databases (gnomAD) is considered unreliable due to the presence of homologous sequence, such as pseudogenes or paralogs, in the genome. This missense change has been observed in individual(s) with autosomal dominant Lynch syndrome (PMID: 31992580). Experimental studies have shown that this missense change affects PMS2 function (PMID: 24027009). In summary, the available evidence is currently insufficient to determine the role of this variant in disease. Therefore, it has been classified as a Variant of Uncertain Significance.

Literature cited by the submitters: PubMed 18602922 (cited by Ambry Genetics); PubMed 18619468 (cited by Ambry Genetics); PubMed 23435383 (cited by Ambry Genetics); PubMed 24027009 (cited by Ambry Genetics and Labcorp Genetics (formerly Invitae), Labcorp); PubMed 31992580 (cited by Ambry Genetics and Labcorp Genetics (formerly Invitae), Labcorp).